The following is an entry in ClinVar:

ClinVar aggregate classification (germline): Pathogenic. Review status: criteria provided, multiple submitters, no conflicts (2 of 4 stars). 4 submissions from 4 submitters: Pathogenic (4). Last evaluated 2025-03-04.

Conditions:
Recessive dystrophic epidermolysis bullosa (RDEB). Also called: severe generalized recessive dystrophic epidermolysis bullosa; EPIDERMOLYSIS BULLOSA DYSTROPHICA, GENERALIZED SEVERE, AUTOSOMAL RECESSIVE; Epidermolysis Bullosa Distrophica Autosomal Recessive (RDEB); DYSTROPHIC EPIDERMOLYSIS BULLOSA, AUTOSOMAL RECESSIVE; EPIDERMOLYSIS BULLOSA DYSTROPHICA, HALLOPEAU-SIEMENS TYPE; epidermolysis bullosa dystrophica, autosomal recessive. Identifiers: Orphanet 79408, Orphanet 79409, MedGen C0079474, MONDO:0009179, OMIM 226600.

Submissions (4):

Center for Genomic Medicine, Rigshospitalet, Copenhagen University Hospital
Classification: Pathogenic. Last evaluated: 2025-03-04. Review status: criteria provided, single submitter. Criteria: ACMG Guidelines, 2015. Collection method: clinical testing. Allele origin: germline.

Myriad Genetics, Inc.
Classification: Pathogenic for Recessive dystrophic epidermolysis bullosa. Last evaluated: 2024-12-31. Review status: criteria provided, single submitter. Criteria: Myriad Autosomal Dominant, Autosomal Recessive and X-Linked Classification Criteria (2023). Collection method: clinical testing. Allele origin: unknown.
Comment: NM_000094.3(COL7A1):c.6696dupC(G2233Rfs*57) is expected to be pathogenic in the context of dystrophic epidermolysis bullosa. This variant is predicted to lead to an abnormal or absent protein product due to the creation of a premature termination codon in COL7A1, a gene where loss-of-function variants are known to be pathogenic. Please note: this variant was assessed in the context of healthy population screening.

GeneDx
Classification: Pathogenic. Last evaluated: 2023-11-15. Review status: criteria provided, single submitter. Criteria: GeneDx Variant Classification Process June 2021. Collection method: clinical testing. Allele origin: germline. Affected: yes.
Comment: Frameshift variant predicted to result in protein truncation or nonsense mediated decay in a gene for which loss of function is a known mechanism of disease; Not observed at significant frequency in large population cohorts (gnomAD); This variant is associated with the following publications: (PMID: 21448560, 10944088, 16971478)

Labcorp Genetics (formerly Invitae), Labcorp
Classification: Pathogenic. Last evaluated: 2020-04-15. Review status: criteria provided, single submitter. Criteria: Invitae Variant Classification Sherloc (09022015). Collection method: clinical testing. Allele origin: germline.
Comment: This sequence change creates a premature translational stop signal (p.Gly2233Argfs*57) in the COL7A1 gene. It is expected to result in an absent or disrupted protein product. The frequency data for this variant in the population databases is considered unreliable, as metrics indicate poor data quality at this position in the ExAC database. This variant has been observed in individuals affected with epidermolysis bullosa (PMID: 10944088, 16971478). Loss-of-function variants in COL7A1 are known to be pathogenic (PMID: 16971478). For these reasons, this variant has been classified as Pathogenic.

Literature cited by the submitters: PubMed 36287101 (cited by Center for Genomic Medicine, Rigshospitalet, Copenhagen University Hospital); PubMed 10944088 (cited by Center for Genomic Medicine, Rigshospitalet, Copenhagen University Hospital and Labcorp Genetics (formerly Invitae), Labcorp); PubMed 16971478 (cited by Center for Genomic Medicine, Rigshospitalet, Copenhagen University Hospital and Labcorp Genetics (formerly Invitae), Labcorp).

NM_000094.4(COL7A1):c.6696dup (p.Gly2233fs)

Gene: COL7A1 (collagen type VII alpha 1 chain; minus strand). Cytogenetic location: 3p21.31.
Variant type: Duplication.
Coding change: c.6696dup on transcript NM_000094.4 (MANE Select); coding-DNA position 6696, one base duplicated (C; older notation c.6696dupC).
Protein change: p.Gly2233fs; shifts the reading frame from glycine 2233.
Molecular consequence: frameshift variant.
Genome position (GRCh38, 1-based): chr3:48,573,192, G duplicated on the plus strand (C on the coding strand, the reverse complement: COL7A1 is on the minus strand); the first of 6 consecutive G bases (chr3:48,573,192-48,573,197); duplicating any one gives the same sequence. VCF-style (leftmost placement, unchanged base first): chr3-48573191-C-CG. GRCh37 (hg19) VCF-style: chr3-48610624-C-CG.
Other names: c.6696dupC (NM_000094.4); short protein forms G2233fs.
Identifiers: ClinVar variation 940752 (VCV000940752.10), dbSNP rs749256529, ClinGen allele CA2378889.